The following is an entry in ClinVar:

ClinVar aggregate classification (germline): Pathogenic (1 of 4 stars; one submission).

Conditions:
Ataxia-telangiectasia syndrome (AT). Also called: Cerebello-oculocutaneous telangiectasia; Immunodeficiency with ataxia telangiectasia; LOUIS-BAR SYNDROME; AT, COMPLEMENTATION GROUP C; ATAXIA-TELANGIECTASIA, COMPLEMENTATION GROUP A; ATAXIA-TELANGIECTASIA, FRESNO VARIANT. Identifiers: Orphanet 100, MedGen C0004135, MONDO:0008840, OMIM 208900.

Submission:

Labcorp Genetics (formerly Invitae), Labcorp
Classification: Pathogenic for Ataxia-telangiectasia syndrome. Last evaluated: 2019-08-30. Review status: criteria provided, single submitter. Criteria: Invitae Variant Classification Sherloc (09022015). Collection method: clinical testing. Allele origin: germline.
Comment: For these reasons, this variant has been classified as Pathogenic. Loss-of-function variants in ATM are known to be pathogenic (PMID: 23807571, 25614872). This variant has not been reported in the literature in individuals with ATM-related conditions. This variant is not present in population databases (ExAC no frequency). This sequence change creates a premature translational stop signal (p.Ser743*) in the ATM gene. It is expected to result in an absent or disrupted protein product.

Literature cited by the submitters: PubMed 23807571; PubMed 25614872.

NM_000051.4(ATM):c.2228C>G (p.Ser743Ter)

Gene: ATM (ATM serine/threonine kinase; plus strand). Cytogenetic location: 11q22.3.
Variant type: single nucleotide variant.
Coding change: c.2228C>G on transcript NM_000051.4 (MANE Select); coding-DNA position 2228, C replaced by G.
Protein change: p.Ser743Ter; replaces serine 743 with a stop codon.
Molecular consequence: nonsense.
Genome position (GRCh38, 1-based): chr11:108,256,318, C>G. VCF-style: chr11-108256318-C-G. GRCh37 (hg19) VCF-style: chr11-108127045-C-G.
Other names: c.2228C>G, p.Ser743Ter (NM_001351834.2); short protein forms S743*.
Identifiers: ClinVar variation 934802 (VCV000934802.7), dbSNP rs2080482247, ClinGen allele CA382539169.